The following is an entry in ClinVar:

NM_032888.4(COL27A1):c.1154C>T (p.Pro385Leu)

Gene: COL27A1 (collagen type XXVII alpha 1 chain; plus strand). Cytogenetic location: 9q32.
Variant type: single nucleotide variant.
Coding change: c.1154C>T on transcript NM_032888.4 (MANE Select); coding-DNA position 1154, C replaced by T.
Protein change: p.Pro385Leu; replaces proline 385 with leucine.
Molecular consequence: missense variant.
Genome position (GRCh38, 1-based): chr9:114,168,709, C>T. VCF-style: chr9-114168709-C-T. GRCh37 (hg19) VCF-style: chr9-116930989-C-T.
Other names: c.1154C>T (NM_032888.2); short protein forms P385L.
Identifiers: ClinVar variation 2165454 (VCV002165454.4), dbSNP rs774657512, ClinGen allele CA5201318.

ClinVar aggregate classification (germline): Uncertain significance. Review status: criteria provided, multiple submitters, no conflicts (2 of 4 stars). 2 submissions from 2 submitters: Uncertain significance (2). Last evaluated 2025-09-01.

Conditions:
Inborn genetic diseases. Identifiers: MedGen C0950123, MeSH D030342.

Allele frequency attached by ClinVar (database versions not stated): ExAC 0.00001; gnomAD 0.00001; TOPMed 0.00001.
gnomAD v4.1: 4 of 1,613,974 alleles (0.00025%); highest among the groups gnomAD compares: Non-Finnish European, 0.00017%; no homozygotes.

Submissions (2):

Ambry Genetics
Classification: Uncertain significance for Inborn genetic diseases. Last evaluated: 2025-09-01. Review status: criteria provided, single submitter. Criteria: Ambry Variant Classification Scheme 2023. Collection method: clinical testing. Allele origin: germline.

Labcorp Genetics (formerly Invitae), Labcorp
Classification: Uncertain significance. Last evaluated: 2025-05-12. Review status: criteria provided, single submitter. Criteria: Invitae Variant Classification Sherloc (09022015). Collection method: clinical testing. Allele origin: germline.
Comment: This sequence change replaces proline, which is neutral and non-polar, with leucine, which is neutral and non-polar, at codon 385 of the COL27A1 protein (p.Pro385Leu). This variant is present in population databases (rs774657512, gnomAD 0.0009%). This variant has not been reported in the literature in individuals affected with COL27A1-related conditions. ClinVar contains an entry for this variant (Variation ID: 2165454). Invitae Evidence Modeling of protein sequence and biophysical properties (such as structural, functional, and spatial information, amino acid conservation, physicochemical variation, residue mobility, and thermodynamic stability) indicates that this missense variant is not expected to disrupt COL27A1 protein function with a negative predictive value of 95%. In summary, the available evidence is currently insufficient to determine the role of this variant in disease. Therefore, it has been classified as a Variant of Uncertain Significance.